The following is an entry in ClinVar:

NM_173630.4(RTTN):c.2480A>G (p.Lys827Arg)

Gene: RTTN (rotatin; minus strand). Cytogenetic location: 18q22.2.
Variant type: single nucleotide variant.
Coding change: c.2480A>G on transcript NM_173630.4 (MANE Select); coding-DNA position 2480, A replaced by G.
Protein change: p.Lys827Arg; replaces lysine 827 with arginine.
Molecular consequence: missense variant. On other transcripts: 5 prime UTR variant (1).
Genome position (GRCh38, 1-based): chr18:70,145,613, T>C on the plus strand (A>G on the coding strand, the complement: RTTN is on the minus strand). VCF-style: chr18-70145613-T-C. GRCh37 (hg19) VCF-style: chr18-67812849-T-C.
Other names: c.-168A>G (NM_001318520.2); short protein forms K827R.
Identifiers: ClinVar variation 2579582 (VCV002579582.1), dbSNP rs2512654083, ClinGen allele CA402693638.
Genomic context (GRCh38, chr18:70,145,613, plus strand): 5'-ACATGATATAAAAATGTATCAAATTACCACACAGTAATAAACTCAAAATTTATAGTCACC[T>C]TAATAACCAGCTCTCTTCTGTCATCCAGTCTGAGTTCAATAGGTTTCTTCCCAATGAATA-3'
Protein context (NP_775901.3, residues 817-837): RLDDRRELVI[Lys827Arg]LETVEKVYEI

ClinVar aggregate classification (germline): Uncertain significance (1 of 4 stars; one submission).

Submission:

GeneDx
Classification: Uncertain significance. Last evaluated: 2023-03-06. Review status: criteria provided, single submitter. Criteria: GeneDx Variant Classification Process June 2021. Collection method: clinical testing. Allele origin: germline. Affected: yes.
Comment: Not observed at significant frequency in large population cohorts (gnomAD); In silico analysis supports that this missense variant does not alter protein structure/function; Has not been previously published as pathogenic or benign to our knowledge; In silico analysis is inconclusive as to whether the variant alters gene splicing. In the absence of RNA/functional studies, the actual effect of this sequence change is unknown.